The following is an entry in ClinVar:

NM_000218.3(KCNQ1):c.744G>C (p.Trp248Cys)

Gene: KCNQ1 (potassium voltage-gated channel subfamily Q member 1; plus strand). Cytogenetic location: 11p15.5.
Variant type: single nucleotide variant.
Coding change: c.744G>C on transcript NM_000218.3 (MANE Select); coding-DNA position 744, G replaced by C.
Protein change: p.Trp248Cys; replaces tryptophan 248 with cysteine.
Molecular consequence: missense variant.
Genome position (GRCh38, 1-based): chr11:2,572,073, G>C. VCF-style: chr11-2572073-G-C. GRCh37 (hg19) VCF-style: chr11-2593303-G-C.
Other names: c.744G>C (LRG_287t1); c.744G>C, p.Trp248Cys (NM_001406836.1); c.474G>C, p.Trp158Cys (NM_001406837.1); c.363G>C, p.Trp121Cys (NM_181798.2); short protein forms W248C, W121C, W158C.
Identifiers: ClinVar variation 67102 (VCV000067102.4), dbSNP rs199472714, ClinGen allele CA008058.

ClinVar aggregate classification (germline): Pathogenic. Review status: criteria provided, single submitter (1 of 4 stars). 2 submissions from 2 submitters: Pathogenic (1). 1 of the submissions does not count toward it. Last evaluated 2022-06-07.

Conditions:
KCNQ1-related disorder. Also called: KCNQ1-related condition; KCNQ1-related disorders. Identifiers: MedGen CN239322.
Familial long QT syndrome (RWS). Also called: Congenital long QT syndrome; Romano-Ward syndrome; VENTRICULAR FIBRILLATION WITH PROLONGED QT INTERVAL. Identifiers: Orphanet 768, MedGen C1141890, MONDO:0019171.

Submissions (2):

Blueprint Genetics
Classification: Pathogenic for KCNQ1-related disorders. Last evaluated: 2022-06-07. Review status: criteria provided, single submitter. Criteria: ACMG Guidelines, 2015. Collection method: clinical testing. Allele origin: germline. Affected: yes. Observed: 2 variant alleles.

Cardiovascular Biomedical Research Unit, Royal Brompton & Harefield NHS Foundation Trust
No classification provided. Condition: Familial long QT syndrome. Review status: no classification provided. Collection method: literature only. Allele origin: germline. Not counted in ClinVar's aggregate classification.
Comment: This variant has been reported as associated with Long QT syndrome in the following publications (PMID:15176425). This is a literature report, and does not necessarily reflect the clinical interpretation of the Imperial College / Royal Brompton Cardiovascular Genetics laboratory.

Literature cited by the submitters: PubMed 15176425 (cited by Cardiovascular Biomedical Research Unit, Royal Brompton & Harefield NHS Foundation Trust); PubMed 22581653 (cited by Cardiovascular Biomedical Research Unit, Royal Brompton & Harefield NHS Foundation Trust).